The following is an entry in ClinVar:

ClinVar aggregate classification (germline): Uncertain significance. Review status: criteria provided, multiple submitters, no conflicts (2 of 4 stars). 6 submissions from 6 submitters: Uncertain significance (6). Last evaluated 2025-11-06.

Conditions:
Colorectal cancer, susceptibility to, 1. Also called: COLORECTAL ADENOMA AND CANCER, SUSCEPTIBILITY TO; COLORECTAL CANCER, SUSCEPTIBILITY TO, ON CHROMOSOME 9. Identifiers: MedGen C1837315, MONDO:0012132, OMIM 608812.

Allele frequency attached by ClinVar (database versions not stated): TOPMed 0.00003.
gnomAD v4.1: 43 of 1,080,612 alleles (0.004%); highest among the groups gnomAD compares: Admixed American, 0.021%; no homozygotes.

Submissions (6):

Labcorp Genetics (formerly Invitae), Labcorp
Classification: Uncertain significance. Last evaluated: 2025-11-06. Review status: criteria provided, single submitter. Criteria: Invitae Variant Classification Sherloc (09022015). Collection method: clinical testing. Allele origin: germline.
Comment: This sequence change replaces serine, which is neutral and polar, with leucine, which is neutral and non-polar, at codon 35 of the GALNT12 protein (p.Ser35Leu). The frequency data for this variant in the population databases is considered unreliable, as metrics indicate insufficient coverage at this position in the gnomAD database. This variant has not been reported in the literature in individuals affected with GALNT12-related conditions. ClinVar contains an entry for this variant (Variation ID: 651662). An algorithm developed to predict the effect of missense changes on protein structure and function (PolyPhen-2) suggests that this variant is likely to be tolerated. In summary, the available evidence is currently insufficient to determine the role of this variant in disease. Therefore, it has been classified as a Variant of Uncertain Significance.

Ambry Genetics
Classification: Uncertain significance. Last evaluated: 2025-10-07. Review status: criteria provided, single submitter. Criteria: Ambry Variant Classification Scheme 2023. Collection method: clinical testing. Allele origin: germline.
Comment: The p.S35L variant (also known as c.104C>T), located in coding exon 1 of the GALNT12 gene, results from a C to T substitution at nucleotide position 104. The serine at codon 35 is replaced by leucine, an amino acid with dissimilar properties. This amino acid position is not well conserved in available vertebrate species. In addition, this alteration is predicted to be tolerated by in silico analysis. Since supporting evidence is limited at this time, the clinical significance of this alteration remains unclear.

Dasa
Classification: Uncertain significance. Last evaluated: 2025-06-20. Review status: criteria provided, single submitter. Criteria: DASA Assertion Criteria. Collection method: clinical testing. Allele origin: germline.
Comment: NM_024642.5(GALNT12):c.104C>T (p.Ser35Leu) is a missense variant that results in the substitution of serine with leucine. This variant is rare in population databases. Computational prediction algorithms are consistent with a benign effect. The currently available literature and clinical evidence are not sufficient to establish a definitive association between this variant and the reported condition. Therefore, this variant is classified as a variant of uncertain significance.

Department of Pathology and Laboratory Medicine, Sinai Health System
Classification: Uncertain significance for Colorectal cancer, susceptibility to, 1. Last evaluated: 2024-07-02. Review status: criteria provided, single submitter. Criteria: ACMG Guidelines, 2015. Collection method: clinical testing. Allele origin: germline. Affected: yes.

Baylor Genetics
Classification: Uncertain significance for Colorectal cancer, susceptibility to, 1. Last evaluated: 2024-03-05. Review status: criteria provided, single submitter. Criteria: ACMG Guidelines, 2015. Collection method: clinical testing. Allele origin: unknown.

Quest Diagnostics Nichols Institute San Juan Capistrano
Classification: Uncertain significance. Last evaluated: 2023-01-16. Review status: criteria provided, single submitter. Criteria: Quest Diagnostics criteria. Collection method: clinical testing. Allele origin: unknown.
Comment: To the best of our knowledge, the variant has not been reported in the published literature. The frequency of this variant in the general population, 0.0002 (3/14782 chromosomes in Latino/Admixed American subpopulation), is higher than would generally be expected for pathogenic variants in this gene. Analysis of this variant using bioinformatics tools for the prediction of the effect of amino acid changes on protein structure and function yielded predictions that this variant is benign. Based on the available information, we are unable to determine the clinical significance of this variant.

NM_024642.5(GALNT12):c.104C>T (p.Ser35Leu)

Genes: GALNT12 (polypeptide N-acetylgalactosaminyltransferase 12; plus strand), LOC130002222 (ATAC-STARR-seq lymphoblastoid silent region 20123; plus strand). Cytogenetic location: 9q22.33.
Variant type: single nucleotide variant.
Coding change: c.104C>T on transcript NM_024642.5 (MANE Select); coding-DNA position 104, C replaced by T.
Protein change: p.Ser35Leu; replaces serine 35 with leucine.
Molecular consequence: missense variant.
Genome position (GRCh38, 1-based): chr9:98,807,802, C>T. VCF-style: chr9-98807802-C-T. GRCh37 (hg19) VCF-style: chr9-101570084-C-T.
Other names: short protein forms S35L.
Identifiers: ClinVar variation 651662 (VCV000651662.22), dbSNP rs988592123, ClinGen allele CA196833773.